The following is an entry in ClinVar:

ClinVar aggregate classification (germline): Pathogenic/Likely pathogenic. Review status: criteria provided, multiple submitters, no conflicts (2 of 4 stars). 3 submissions from 3 submitters: Pathogenic (2); Likely pathogenic (1). Last evaluated 2025-04-09.

Conditions:
Dubin-Johnson syndrome (DJS). Also called: HYPERBILIRUBINEMIA, DUBIN-JOHNSON TYPE; Jaundice, Chronic Idiopathic; Hyperbilirubinemia type 2. Identifiers: Orphanet 234, MedGen C0022350, MONDO:0009380, OMIM 237500.
ABCC2-related disorder. Also called: ABCC2-related condition.

Allele frequency attached by ClinVar (database versions not stated): TOPMed below 0.00001; ExAC 0.00003.
gnomAD v4.1: 9 of 1,613,134 alleles (0.00056%); highest among the groups gnomAD compares: South Asian, 0.0088%; no homozygotes.

Submissions (3):

PreventionGenetics, part of Exact Sciences
Classification: Likely pathogenic for ABCC2-related condition. Last evaluated: 2025-04-09. Review status: criteria provided, single submitter. Criteria: ACMG Guidelines, 2015. Collection method: clinical testing. Allele origin: germline.
Comment: The ABCC2 c.4120C>T variant is predicted to result in premature protein termination (p.Arg1374*). To our knowledge, this variant has not been reported in the literature. This variant is reported in 0.017% of alleles in individuals of South Asian descent in gnomAD. Nonsense variants in ABCC2 are expected to be pathogenic. This variant is interpreted as likely pathogenic.

Labcorp Genetics (formerly Invitae), Labcorp
Classification: Pathogenic. Last evaluated: 2023-08-16. Review status: criteria provided, single submitter. Criteria: Invitae Variant Classification Sherloc (09022015). Collection method: clinical testing. Allele origin: germline.
Comment: For these reasons, this variant has been classified as Pathogenic. Algorithms developed to predict the effect of sequence changes on RNA splicing suggest that this variant may disrupt the consensus splice site. This variant has not been reported in the literature in individuals affected with ABCC2-related conditions. This variant is present in population databases (rs767754823, gnomAD 0.02%). This sequence change creates a premature translational stop signal (p.Arg1374*) in the ABCC2 gene. It is expected to result in an absent or disrupted protein product. Loss-of-function variants in ABCC2 are known to be pathogenic (PMID: 9185779, 16549534, 16952291).

Juno Genomics, Hangzhou Juno Genomics, Inc
Classification: Pathogenic for Dubin-Johnson syndrome. Review status: criteria provided, single submitter. Criteria: ACMG Guidelines, 2015. Collection method: clinical testing. Allele origin: germline. Affected: yes.
Comment: Absent from controls (or at extremely low frequency if recessive) in Genome Aggregation Database, Exome Sequencing Project, 1000 Genomes Project, or Exome Aggregation Consortium.;Null variant in a gene where loss of function (LOF) is a known mechanism of disease.;Patient's phenotype or family history is highly specific for a disease with a single genetic etiology.

Literature cited by the submitters: PubMed 9185779 (cited by Labcorp Genetics (formerly Invitae), Labcorp); PubMed 16549534 (cited by Labcorp Genetics (formerly Invitae), Labcorp); PubMed 16952291 (cited by Labcorp Genetics (formerly Invitae), Labcorp).

NM_000392.5(ABCC2):c.4120C>T (p.Arg1374Ter)

Gene: ABCC2 (ATP binding cassette subfamily C member 2; plus strand). Cytogenetic location: 10q24.2.
Variant type: single nucleotide variant.
Coding change: c.4120C>T on transcript NM_000392.5 (MANE Select); coding-DNA position 4120, C replaced by T.
Protein change: p.Arg1374Ter; replaces arginine 1374 with a stop codon.
Molecular consequence: nonsense.
Genome position (GRCh38, 1-based): chr10:99,845,756, C>T. VCF-style: chr10-99845756-C-T. GRCh37 (hg19) VCF-style: chr10-101605513-C-T.
Other names: short protein forms R1374*.
Identifiers: ClinVar variation 2969650 (VCV002969650.7), dbSNP rs767754823, ClinGen allele CA5644036.